The following is an entry in ClinVar:

NM_000166.6(GJB1):c.547C>T (p.Arg183Cys)

Gene: GJB1 (gap junction protein beta 1; plus strand). Cytogenetic location: Xq13.1.
Variant type: single nucleotide variant.
Coding change: c.547C>T on transcript NM_000166.6 (MANE Select); coding-DNA position 547, C replaced by T.
Protein change: p.Arg183Cys; replaces arginine 183 with cysteine.
Molecular consequence: missense variant.
Genome position (GRCh38, 1-based): chrX:71,224,254, C>T. VCF-style: chrX-71224254-C-T. GRCh37 (hg19) VCF-style: chrX-70444104-C-T.
Other names: c.547C>T, p.Arg183Cys (NM_001097642.3); short protein forms R183C.
Identifiers: ClinVar variation 216039 (VCV000216039.31), dbSNP rs863224471, ClinGen allele CA336920.
Genomic context (GRCh38, chrX:71,224,254, plus strand): 5'-GTGCGGCTGGTCAAGTGCGACGTCTACCCCTGCCCCAACACAGTGGACTGCTTCGTGTCC[C>T]GCCCCACCGAGAAAACCGTCTTCACCGTCTTCATGCTAGCTGCCTCTGGCATCTGCATCA-3'
Protein context (NP_000157.1, residues 173-193): CPNTVDCFVS[Arg183Cys]PTEKTVFTVF

ClinVar aggregate classification (germline): Pathogenic/Likely pathogenic. Review status: criteria provided, multiple submitters, no conflicts (2 of 4 stars). 9 submissions from 9 submitters: Pathogenic (5); Likely pathogenic (3). 1 of the submissions does not count toward it. Last evaluated 2025-12-18.

Conditions:
Charcot-Marie-Tooth disease. Also called: Charcot-Marie-Tooth Hereditary Neuropathy; Charcot-Marie-Tooth Neuropathy. Identifiers: Orphanet 166, MedGen C0007959, MONDO:0015626.
Charcot-Marie-Tooth Neuropathy X. Identifiers: MedGen CN118851.
Charcot-Marie-Tooth disease X-linked dominant 1. Also called: X-linked Charcot-Marie-Tooth disease type 1; GJB1 Disorders: Charcot-Marie-Tooth Neuropathy (CMT1X) and Central Nervous System Phenotypes; CHARCOT-MARIE-TOOTH NEUROPATHY, X-LINKED, 1; CHARCOT-MARIE-TOOTH PERONEAL MUSCULAR ATROPHY, X-LINKED; HEREDITARY MOTOR AND SENSORY NEUROPATHY, X-LINKED; HMSN, X-LINKED. Identifiers: Orphanet 101075, MedGen C0393808, MONDO:0010549, OMIM 302800.

Allele frequency attached by ClinVar (database versions not stated): gnomAD exomes below 0.00001.
gnomAD v4.1: 1 of 1,201,586 alleles (0.000083%); no homozygotes.

Submissions (9):

3billion
Classification: Pathogenic for Charcot-Marie-Tooth disease X-linked dominant 1. Last evaluated: 2025-12-18. Review status: criteria provided, single submitter. Criteria: ACMG Guidelines, 2015. Collection method: clinical testing. Allele origin: germline. Affected: yes.
Comment: The variant is observed at an extremely low frequency in the gnomAD v4.1.0 dataset (total allele frequency: <0.001%). Predicted Consequence/Location: Missense variant In silico tool predictions suggest damaging effect of the variant on gene or gene product [REVEL: 0.97 (>=0.6, sensitivity 0.68 and specificity 0.92); 3Cnet: 0.99 (> 0.75, sensitivity 0.96 and precision 0.92)]. The same nucleotide change resulting in the same amino acid change has been previously reported as pathogenic/likely pathogenic with strong evidence (ClinVar ID: VCV000216039 /PMID: 9187667 /3billion dataset). The variant has been observed in at least two similarly affected unrelated individuals (PMID: 28469099). Different missense changes at the same codon (p.Arg183His, p.Arg183Leu, p.Arg183Phe, p.Arg183Pro, p.Arg183Ser) have been reported as pathogenic/likely pathogenic with strong evidence (ClinVar ID: VCV000447435, VCV000637630 /PMID: 18379723, 31211173, 35562614, 9187667). Therefore, this variant is classified as Pathogenic according to the recommendation of ACMG/AMP guideline.

Labcorp Genetics (formerly Invitae), Labcorp
Classification: Pathogenic for Charcot-Marie-Tooth Neuropathy X. Last evaluated: 2025-11-23. Review status: criteria provided, single submitter. Criteria: Invitae Variant Classification Sherloc (09022015). Collection method: clinical testing. Allele origin: germline.
Comment: This sequence change replaces arginine, which is basic and polar, with cysteine, which is neutral and slightly polar, at codon 183 of the GJB1 protein (p.Arg183Cys). This variant is not present in population databases (gnomAD no frequency). This missense change has been observed in individuals with Charcot-Marie-Tooth disease (PMID: 9187667, 11271367, 25429913, 28469099). ClinVar contains an entry for this variant (Variation ID: 216039). Invitae Evidence Modeling of protein sequence and biophysical properties (such as structural, functional, and spatial information, amino acid conservation, physicochemical variation, residue mobility, and thermodynamic stability) indicates that this missense variant is expected to disrupt GJB1 protein function with a positive predictive value of 95%. Experimental studies have shown that this missense change affects GJB1 function (PMID: 1211842, 27844031). This variant disrupts the p.Arg183 amino acid residue in GJB1. Other variant(s) that disrupt this residue have been determined to be pathogenic (PMID: 9187667, 12111842, 15719046, 27027447, 27844031). This suggests that this residue is clinically significant, and that variants that disrupt this residue are likely to be disease-causing. For these reasons, this variant has been classified as Pathogenic.

CeGaT Center for Human Genetics Tuebingen
Classification: Likely pathogenic. Last evaluated: 2024-12-01. Review status: criteria provided, single submitter. Criteria: CeGaT Center For Human Genetics Tuebingen Variant Classification Criteria Version 2. Collection method: clinical testing. Allele origin: germline. Affected: yes. Observed: 1 variant allele.
Comment: GJB1: PM2, PM5, PS4:Moderate, PP3, PS3:Supporting

Fulgent Genetics
Classification: Pathogenic for Charcot-Marie-Tooth disease X-linked dominant 1. Last evaluated: 2024-06-15. Review status: criteria provided, single submitter. Criteria: ACMG Guidelines, 2015. Collection method: clinical testing. Allele origin: germline.

Mayo Clinic Laboratories, Mayo Clinic
Classification: Pathogenic. Last evaluated: 2024-05-28. Review status: criteria provided, single submitter. Criteria: ACMG Guidelines, 2015. Collection method: clinical testing. Allele origin: germline.
Comment: PP3, PM1, PM2_moderate, PS3, PS4

GeneDx
Classification: Pathogenic. Last evaluated: 2021-10-29. Review status: criteria provided, single submitter. Criteria: GeneDx Variant Classification Process June 2021. Collection method: clinical testing. Allele origin: germline. Affected: yes.
Comment: Reported previously in association with CMTX in affected males and females (Bone et al., 1997, Hahn et al., 2001, Bort et al., 1997); Not observed at significant frequency in large population cohorts (Lek et al., 2016); Missense variants in this gene are often considered pathogenic (Stenson et al., 2014); In silico analysis supports that this missense variant has a deleterious effect on protein structure/function; This variant is associated with the following publications: (PMID: 24444136, 21871435, 9361298, 11271367, 12111842, 25429913, 12457340, 9187667, 31211173, 32376792, 34060689, 32903794, 30952033, 30042657)

NeuroMeGen, Hospital Clinico Santiago de Compostela
Classification: Likely pathogenic for Charcot-Marie-Tooth disease X-linked dominant 1. Last evaluated: 2018-10-08. Review status: criteria provided, single submitter. Criteria: ACMG Guidelines, 2015. Collection method: clinical testing. Allele origin: unknown. Affected: yes. Observed: 1 homozygote.

Athena Diagnostics
Classification: Likely pathogenic. Last evaluated: 2017-12-29. Review status: criteria provided, single submitter. Criteria: Athena Diagnostics Criteria. Collection method: clinical testing. Allele origin: germline.

Inherited Neuropathy Consortium
Classification: Uncertain significance for Charcot-Marie-Tooth disease. Review status: no assertion criteria provided. Collection method: literature only. Allele origin: germline. Affected: yes. Not counted in ClinVar's aggregate classification.

Literature cited by the submitters: PubMed 18379723 (cited by 3billion); PubMed 28469099 (cited by 4 submitters); PubMed 9187667 (cited by 5 submitters); PubMed 11271367 (cited by 3 submitters); PubMed 25429913 (cited by 3 submitters); PubMed 1211842 (cited by Labcorp Genetics (formerly Invitae), Labcorp); PubMed 27844031 (cited by 3 submitters); PubMed 12111842 (cited by 3 submitters); PubMed 15719046 (cited by Labcorp Genetics (formerly Invitae), Labcorp); PubMed 27027447 (cited by Labcorp Genetics (formerly Invitae), Labcorp); PubMed 24444136 (cited by Mayo Clinic Laboratories, Mayo Clinic and Athena Diagnostics); PubMed 28071741 (cited by Mayo Clinic Laboratories, Mayo Clinic and Athena Diagnostics).